The following is an entry in ClinVar:

NM_001267550.2(TTN):c.24454G>A (p.Val8152Ile)

Gene: TTN (titin; minus strand). Cytogenetic location: 2q31.2.
Variant type: single nucleotide variant.
Coding change: c.24454G>A on transcript NM_001267550.2 (MANE Select); coding-DNA position 24454, G replaced by A.
Protein change: p.Val8152Ile; replaces valine 8152 with isoleucine.
Molecular consequence: missense variant. On other transcripts: intron variant (3).
Genome position (GRCh38, 1-based): chr2:178,718,746, C>T on the plus strand (G>A on the coding strand, the complement: TTN is on the minus strand). VCF-style: chr2-178718746-C-T. GRCh37 (hg19) VCF-style: chr2-179583473-C-T.
Other names: p.V7835I:GTT>ATT; c.23503G>A, p.Val7835Ile (NM_001256850.1); c.20722G>A, p.Val6908Ile (NM_133378.4); c.13282+19336G>A (NM_003319.4); c.13858+19336G>A (NM_133437.4); c.13657+19336G>A (NM_133432.3); short protein forms V8152I, V6908I, V7835I.
Identifiers: ClinVar variation 46732 (VCV000046732.10), dbSNP rs397517507, ClinGen allele CA139066.

ClinVar aggregate classification (germline): Conflicting classifications of pathogenicity. Review status: criteria provided, conflicting classifications (1 of 4 stars). 5 submissions from 5 submitters: Uncertain significance (3); Likely benign (2). Last evaluated 2025-04-04.

Conditions:
TTN-related disorder. Also called: TTN-related condition; TTN-related disease; TTN-related disorders.
Cardiovascular phenotype. Identifiers: MedGen CN230736.

Allele frequency attached by ClinVar (database versions not stated): gnomAD 0.00004 and 0.00005; TOPMed 0.00004.
gnomAD v4.1: 73 of 1,613,608 alleles (0.0045%); highest among the groups gnomAD compares: East Asian, 0.074%; no homozygotes.

Submissions (5):

PreventionGenetics, part of Exact Sciences
Classification: Uncertain significance for TTN-related condition. Last evaluated: 2025-04-04. Review status: criteria provided, single submitter. Criteria: ACMG Guidelines, 2015. Collection method: clinical testing. Allele origin: germline.
Comment: The TTN c.24454G>A variant is predicted to result in the amino acid substitution p.Val8152Ile. To our knowledge, this variant has not been reported in the literature. This variant is reported in 0.026% of alleles in individuals of East Asian descent in gnomAD. At this time, the clinical significance of this variant is uncertain due to the absence of conclusive functional and genetic evidence.

Women's Health and Genetics/Laboratory Corporation of America, LabCorp
Classification: Likely benign. Last evaluated: 2023-06-12. Review status: criteria provided, single submitter. Criteria: LabCorp Variant Classification Summary - May 2015. Collection method: clinical testing. Allele origin: germline.
Comment: Variant summary: TTN c.20722G>A (p.Val6908Ile) results in a conservative amino acid change located in the I-band region of the encoded protein sequence. Three of five in-silico tools predict a benign effect of the variant on protein function. The variant allele was found at a frequency of 0.0003 in 326038 control chromosomes, predominantly at a frequency of 0.0011 within the Japanese subpopulation, including 1 homozygote (gnomAD and jMorp databases; Tadaka_2021). The observed variant frequency is approximately 2.8 fold of the estimated maximal expected allele frequency for a pathogenic variant in TTN causing a dilated cardiomyopathy phenotype (3.9e-04), strongly suggesting that the variant is benign. To our knowledge, no occurrence of c.20722G>A in individuals affected with Dilated Cardiomyopathy and no experimental evidence demonstrating its impact on protein function have been reported. Co-occurrences with other pathogenic variants have been reported (ALMS1 c.427C>T, p.Q143X; MYH7 c.4259G>A, p.R1420Q; both observed in internal testing), providing supporting evidence for a benign role. The following publication was ascertained in the context of this evaluation (PMID: 33179747). Two ClinVar submitters (evaluation after 2014) have cited the variant; one submitter classified the variant as likely benign, and one submitter classified the variant as uncertain significance. Based on the evidence outlined above, the variant was classified as likely benign.

GeneDx
Classification: Likely benign. Last evaluated: 2018-08-29. Review status: criteria provided, single submitter. Criteria: GeneDx Variant Classification Process June 2021. Collection method: clinical testing. Allele origin: germline. Affected: yes.

Laboratory for Molecular Medicine, Mass General Brigham Personalized Medicine
Classification: Uncertain significance. Last evaluated: 2015-02-03. Review status: criteria provided, single submitter. Criteria: LMM Criteria. Collection method: clinical testing. Allele origin: germline. Observed: 2 variant alleles.
Comment: Variant classified as Uncertain Significance - Favor Benign. The Val6908Ile variant has been identified i n 2/16502 South Asian chromosomes by the Exome Aggregation Consortium (ExAC; dbSNP rs397517507). Valine (Val) at position 6908 i s not conserved in evolution and several species have an isoleucine (Ile) at thi s position, suggesting that this change may be tolerated. In summary, while the clinical significance of the p.Val6908Ile variant is uncertain, the presence of the variant amino acid in other species suggests that it is more likely to be be nign.

Ambry Genetics
Classification: Uncertain significance for Cardiovascular phenotype. Last evaluated: 2013-04-04. Review status: criteria provided, single submitter. Criteria: Ambry Autosomal Dominant and X-Linked criteria (10/2015). Collection method: clinical testing. Allele origin: germline. Observed: 1 variant allele.
Comment: There is insufficient or conflicting evidence for classification of this alteration.

Literature cited by the submitters: PubMed 33179747 (cited by Women's Health and Genetics/Laboratory Corporation of America, LabCorp).